The following is an entry in ClinVar:

ClinVar aggregate classification (germline): Benign (0 of 4 stars; one submission).

Conditions:
CLMN-related disorder. Also called: CLMN-related condition.

Allele frequency attached by ClinVar (database versions not stated): ESP Exome Variant Server 0.08750; gnomAD exomes 0.09754; TOPMed 0.09901; gnomAD 0.10412; ExAC 0.12003; 1000 Genomes Project 30x 0.14382; 1000 Genomes Project 0.15116.
gnomAD v4.1: 159,245 of 1,613,348 alleles (9.9%); highest among the groups gnomAD compares: East Asian, 38%; 10,540 homozygotes.

Submission:

PreventionGenetics, part of Exact Sciences
Classification: Benign for CLMN-related condition. Last evaluated: 2019-10-21. Review status: no assertion criteria provided. Collection method: clinical testing. Allele origin: germline.
Comment: This variant is classified as benign based on ACMG/AMP sequence variant interpretation guidelines (Richards et al. 2015 PMID: 25741868, with internal and published modifications).

NM_024734.4(CLMN):c.2784T>C (p.Tyr928=)

Gene: CLMN (calmin; minus strand). Cytogenetic location: 14q32.13.
Variant type: single nucleotide variant.
Coding change: c.2784T>C on transcript NM_024734.4 (MANE Select); coding-DNA position 2784, T replaced by C.
Protein change: p.Tyr928=; no amino-acid change (tyrosine 928 retained).
Molecular consequence: synonymous variant.
Genome position (GRCh38, 1-based): chr14:95,193,905, A>G on the plus strand (T>C on the coding strand, the complement: CLMN is on the minus strand). VCF-style: chr14-95193905-A-G. GRCh37 (hg19) VCF-style: chr14-95660242-A-G.
Identifiers: ClinVar variation 3055637 (VCV003055637.2), dbSNP rs1128468, ClinGen allele CA7331846.